The following is an entry in ClinVar:

NM_000540.3(RYR1):c.5256C>A (p.Ser1752Arg)

Gene: RYR1 (ryanodine receptor 1; plus strand). Cytogenetic location: 19q13.2.
Variant type: single nucleotide variant.
Coding change: c.5256C>A on transcript NM_000540.3 (MANE Select); coding-DNA position 5256, C replaced by A.
Protein change: p.Ser1752Arg; replaces serine 1752 with arginine.
Molecular consequence: missense variant.
Genome position (GRCh38, 1-based): chr19:38,485,911, C>A. VCF-style: chr19-38485911-C-A. GRCh37 (hg19) VCF-style: chr19-38976551-C-A.
Other names: c.5256C>A, p.Ser1752Arg (NM_001042723.2); short protein forms S1752R.
Identifiers: ClinVar variation 3070850 (VCV003070850.1), dbSNP rs1568484705, ClinGen allele CA405654320.

ClinVar aggregate classification (germline): Uncertain significance (1 of 4 stars; one submission).

Conditions:
Malignant hyperthermia, susceptibility to, 1 (MHS1). Also called: Anesthesia related hyperthermia; Malignant hyperpyrexia; Fulminating hyperpyrexia; Pharmacogenic myopathy; RYR1-Related Malignant Hyperthermia Susceptibility; Malignant hyperthermia suceptibility 1. Identifiers: Orphanet 423, MedGen C2930980, MONDO:0007783, OMIM 145600.

Submission:

All of Us Research Program, National Institutes of Health
Classification: Uncertain significance for Malignant hyperthermia, susceptibility to, 1. Last evaluated: 2023-05-04. Review status: criteria provided, single submitter. Criteria: ACMG Guidelines, 2015. Collection method: clinical testing. Allele origin: germline. Inheritance: Autosomal dominant inheritance. Observed: 1 variant allele, 1 heterozygote.
Comment: This missense variant replaces serine with arginine at codon 1752 of the RYR1 protein. Computational prediction suggests that this variant may not impact protein structure and function (internally defined REVEL score threshold <= 0.5, PMID: 27666373). To our knowledge, functional studies have not been reported for this variant. This variant has not been reported in individuals affected with RYR1-related disorders in the literature. This variant has not been identified in the general population by the Genome Aggregation Database (gnomAD). The available evidence is insufficient to determine the role of this variant in disease conclusively. Therefore, this variant is classified as a Variant of Uncertain Significance.

This study involves interpretation of variants in research participants for the purpose of population health screening. Participant phenotype was not available at the time of variant classification. Additional details can be found in publication PMID: 35346344, PMCID: PMC8962531